The following is an entry in ClinVar:

NM_001367561.1(DOCK7):c.5302T>C (p.Tyr1768His)

Gene: DOCK7 (dedicator of cytokinesis 7; minus strand). Cytogenetic location: 1p31.3.
Variant type: single nucleotide variant.
Coding change: c.5302T>C on transcript NM_001367561.1 (MANE Select); coding-DNA position 5302, T replaced by C.
Protein change: p.Tyr1768His; replaces tyrosine 1768 with histidine.
Molecular consequence: missense variant.
Genome position (GRCh38, 1-based): chr1:62,492,763, A>G on the plus strand (T>C on the coding strand, the complement: DOCK7 is on the minus strand). VCF-style: chr1-62492763-A-G. GRCh37 (hg19) VCF-style: chr1-62958434-A-G.
Other names: c.5275T>C, p.Tyr1759His (NM_001271999.2, NM_001330614.2); c.5182T>C, p.Tyr1728His (NM_001272000.2, NM_001272001.2); c.5209T>C, p.Tyr1737His (NM_033407.4); c.5275T>C (NM_001271999.1); short protein forms Y1728H, Y1737H, Y1759H, Y1768H.
Identifiers: ClinVar variation 1020031 (VCV001020031.12), dbSNP rs1357890326, ClinGen allele CA340611296.

ClinVar aggregate classification (germline): Uncertain significance. Review status: criteria provided, multiple submitters, no conflicts (2 of 4 stars). 3 submissions from 3 submitters: Uncertain significance (3). Last evaluated 2023-04-11.

Conditions:
Developmental and epileptic encephalopathy, 23 (DEE23). Also called: Epileptic encephalopathy, early infantile, 23. Identifiers: Orphanet 411986, MedGen C4014492, MONDO:0014371, OMIM 615859.

Allele frequency attached by ClinVar (database versions not stated): TOPMed 0.00001.
gnomAD v4.1: 12 of 1,614,120 alleles (0.00074%); highest among the groups gnomAD compares: Non-Finnish European, 0.001%; no homozygotes.

Submissions (3):

Genome-Nilou Lab
Classification: Uncertain significance for Developmental and epileptic encephalopathy, 23. Last evaluated: 2023-04-11. Review status: criteria provided, single submitter. Criteria: ACMG Guidelines, 2015. Collection method: clinical testing. Allele origin: germline. Affected: no.

Revvity Omics, Revvity
Classification: Uncertain significance for Developmental and epileptic encephalopathy, 23. Last evaluated: 2020-07-08. Review status: criteria provided, single submitter. Criteria: ACMG Guidelines, 2015. Collection method: clinical testing. Allele origin: germline.

Labcorp Genetics (formerly Invitae), Labcorp
Classification: Uncertain significance for Developmental and epileptic encephalopathy, 23. Last evaluated: 2020-05-24. Review status: criteria provided, single submitter. Criteria: Invitae Variant Classification Sherloc (09022015). Collection method: clinical testing. Allele origin: germline.
Comment: This variant is not present in population databases (ExAC no frequency). This variant has not been reported in the literature in individuals with DOCK7-related conditions. Algorithms developed to predict the effect of missense changes on protein structure and function (SIFT, PolyPhen-2, Align-GVGD) all suggest that this variant is likely to be tolerated, but these predictions have not been confirmed by published functional studies and their clinical significance is uncertain. In summary, the available evidence is currently insufficient to determine the role of this variant in disease. Therefore, it has been classified as a Variant of Uncertain Significance. This sequence change replaces tyrosine with histidine at codon 1759 of the DOCK7 protein (p.Tyr1759His). The tyrosine residue is highly conserved and there is a moderate physicochemical difference between tyrosine and histidine.